The following is an entry in ClinVar:

ClinVar aggregate classification (germline): Uncertain significance (1 of 4 stars; one submission).

Conditions:
Inclusion body myopathy with early-onset Paget disease with or without frontotemporal dementia 2 (IBMPFD2). Also called: MULTISYSTEM PROTEINOPATHY 2. Identifiers: MedGen C3809468, MONDO:0014178, OMIM 615422.

Submission:

Labcorp Genetics (formerly Invitae), Labcorp
Classification: Uncertain significance for Inclusion body myopathy with early-onset Paget disease with or without frontotemporal dementia 2. Last evaluated: 2022-03-18. Review status: criteria provided, single submitter. Criteria: Invitae Variant Classification Sherloc (09022015). Collection method: clinical testing. Allele origin: germline.
Comment: In summary, the available evidence is currently insufficient to determine the role of this variant in disease. Therefore, it has been classified as a Variant of Uncertain Significance. This variant has not been reported in the literature in individuals affected with HNRNPA2B1-related conditions. This variant results in a copy number gain of the genomic region encompassing exon(s) 1 of the HNRNPA2B1 gene. This region includes the initiator codon of the gene. This copy number gain extends beyond the assayed region for this gene and therefore may encompass additional genes. As the precise location of this event is unknown, it may be in tandem or it may be located elsewhere in the genome.

NC_000007.14:g.(?_26200562)_(26200587_?)dup

Gene: HNRNPA2B1 (heterogeneous nuclear ribonucleoprotein A2/B1; minus strand). Cytogenetic location: 7p15.2.
Variant type: Duplication.
Identifiers: ClinVar variation 830531 (VCV000830531.7).